The following is an entry in ClinVar:

NM_001291303.3(FAT4):c.11324A>G (p.Tyr3775Cys)

Gene: FAT4 (FAT atypical cadherin 4; plus strand). Cytogenetic location: 4q28.1.
Variant type: single nucleotide variant.
Coding change: c.11324A>G on transcript NM_001291303.3 (MANE Select); coding-DNA position 11324, A replaced by G.
Protein change: p.Tyr3775Cys; replaces tyrosine 3775 with cysteine.
Molecular consequence: missense variant.
Genome position (GRCh38, 1-based): chr4:125,452,334, A>G. VCF-style: chr4-125452334-A-G. GRCh37 (hg19) VCF-style: chr4-126373489-A-G.
Other names: c.11324A>G, p.Tyr3775Cys (NM_001291285.3); c.11318A>G, p.Tyr3773Cys (NM_024582.6); c.11318A>G (NM_024582.4); short protein forms Y3775C, Y3773C.
Identifiers: ClinVar variation 1493582 (VCV001493582.9), dbSNP rs1341896601, ClinGen allele CA358162242.

ClinVar aggregate classification (germline): Uncertain significance. Review status: criteria provided, multiple submitters, no conflicts (2 of 4 stars). 2 submissions from 2 submitters: Uncertain significance (2). Last evaluated 2025-10-29.

Conditions:
Inborn genetic diseases. Identifiers: MedGen C0950123, MeSH D030342.

Allele frequency attached by ClinVar (database versions not stated): gnomAD exomes 0.00001; TOPMed 0.00001.
gnomAD v4.1: 4 of 1,614,222 alleles (0.00025%); highest among the groups gnomAD compares: Non-Finnish European, 0.00034%; no homozygotes.

Submissions (2):

Ambry Genetics
Classification: Uncertain significance for Inborn genetic diseases. Last evaluated: 2025-10-29. Review status: criteria provided, single submitter. Criteria: Ambry Variant Classification Scheme 2023. Collection method: clinical testing. Allele origin: germline.

Labcorp Genetics (formerly Invitae), Labcorp
Classification: Uncertain significance. Last evaluated: 2021-06-01. Review status: criteria provided, single submitter. Criteria: Invitae Variant Classification Sherloc (09022015). Collection method: clinical testing. Allele origin: germline.
Comment: In summary, the available evidence is currently insufficient to determine the role of this variant in disease. Therefore, it has been classified as a Variant of Uncertain Significance. Advanced modeling of protein sequence and biophysical properties (such as structural, functional, and spatial information, amino acid conservation, physicochemical variation, residue mobility, and thermodynamic stability) performed at Invitae indicates that this missense variant is not expected to disrupt FAT4 protein function. This variant has not been reported in the literature in individuals with FAT4-related conditions. This variant is not present in population databases (ExAC no frequency). This sequence change replaces tyrosine with cysteine at codon 3773 of the FAT4 protein (p.Tyr3773Cys). The tyrosine residue is highly conserved and there is a large physicochemical difference between tyrosine and cysteine.